The following is an entry in ClinVar:

ClinVar aggregate classification (germline): Uncertain significance (1 of 4 stars; one submission).

Conditions:
Transcobalamin I deficiency (TCN1D). Also called: COBALAMIN PSEUDODEFICIENCY DUE TO TRANSCOBALAMIN DEFICIENCY; COBALAMIN R BINDER PROTEIN DEFICIENCY; TCN1 DEFICIENCY. Identifiers: Orphanet 2967, MedGen C0342700, MONDO:0008659, OMIM 193090.

Submission:

Labcorp Genetics (formerly Invitae), Labcorp
Classification: Uncertain significance for Transcobalamin I deficiency. Last evaluated: 2019-09-11. Review status: criteria provided, single submitter. Criteria: Invitae Variant Classification Sherloc (09022015). Collection method: clinical testing. Allele origin: germline.
Comment: In summary, the available evidence is currently insufficient to determine the role of this variant in disease. Therefore, it has been classified as a Variant of Uncertain Significance. Algorithms developed to predict the effect of missense changes on protein structure and function are either unavailable or do not agree on the potential impact of this missense change (SIFT: "Tolerated"; PolyPhen-2: "Possibly Damaging"; Align-GVGD: "Class C0"). This variant has not been reported in the literature in individuals with TCN1-related conditions. This variant is not present in population databases (ExAC no frequency). This sequence change replaces glycine with alanine at codon 51 of the TCN1 protein (p.Gly51Ala). The glycine residue is moderately conserved and there is a small physicochemical difference between glycine and alanine.

NM_001062.4(TCN1):c.152G>C (p.Gly51Ala)

Gene: TCN1 (transcobalamin 1; minus strand). Cytogenetic location: 11q12.1.
Variant type: single nucleotide variant.
Coding change: c.152G>C on transcript NM_001062.4 (MANE Select); coding-DNA position 152, G replaced by C.
Protein change: p.Gly51Ala; replaces glycine 51 with alanine.
Molecular consequence: missense variant.
Genome position (GRCh38, 1-based): chr11:59,864,014, C>G on the plus strand (G>C on the coding strand, the complement: TCN1 is on the minus strand). VCF-style: chr11-59864014-C-G. GRCh37 (hg19) VCF-style: chr11-59631487-C-G.
Other names: short protein forms G51A.
Identifiers: ClinVar variation 940722 (VCV000940722.9), dbSNP rs548081467, ClinGen allele CA380809365.